The following is an entry in ClinVar:

NM_006361.6(HOXB13):c.349G>T (p.Gly117Trp)

Gene: HOXB13 (homeobox B13; minus strand). Cytogenetic location: 17q21.32.
Variant type: single nucleotide variant.
Coding change: c.349G>T on transcript NM_006361.6 (MANE Select); coding-DNA position 349, G replaced by T.
Protein change: p.Gly117Trp; replaces glycine 117 with tryptophan.
Molecular consequence: missense variant.
Genome position (GRCh38, 1-based): chr17:48,728,245, C>A on the plus strand (G>T on the coding strand, the complement: HOXB13 is on the minus strand). VCF-style: chr17-48728245-C-A. GRCh37 (hg19) VCF-style: chr17-46805607-C-A.
Other names: short protein forms G117W.
Identifiers: ClinVar variation 3681016 (VCV003681016.2).

ClinVar aggregate classification (germline): Uncertain significance (1 of 4 stars; one submission).

Submission:

Labcorp Genetics (formerly Invitae), Labcorp
Classification: Uncertain significance. Last evaluated: 2024-03-02. Review status: criteria provided, single submitter. Criteria: Invitae Variant Classification Sherloc (09022015). Collection method: clinical testing. Allele origin: germline.
Comment: This sequence change replaces glycine, which is neutral and non-polar, with tryptophan, which is neutral and slightly polar, at codon 117 of the HOXB13 protein (p.Gly117Trp). This variant is not present in population databases (gnomAD no frequency). This variant has not been reported in the literature in individuals affected with HOXB13-related conditions. Advanced modeling of protein sequence and biophysical properties (such as structural, functional, and spatial information, amino acid conservation, physicochemical variation, residue mobility, and thermodynamic stability) performed at Invitae indicates that this missense variant is not expected to disrupt HOXB13 protein function with a negative predictive value of 80%. In summary, the available evidence is currently insufficient to determine the role of this variant in disease. Therefore, it has been classified as a Variant of Uncertain Significance.